The following is an entry in ClinVar:

ClinVar aggregate classification (germline): Uncertain significance (1 of 4 stars; one submission).

Conditions:
Muscular dystrophy-dystroglycanopathy (congenital with impaired intellectual development), type B, 2. Also called: MUSCULAR DYSTROPHY, CONGENITAL, POMT2-RELATED; Muscular dystrophy-dystroglycanopathy (congenital with intellectual disability), type B2. Identifiers: MedGen C3150416, MONDO:0013160, OMIM 613156.
Muscular dystrophy-dystroglycanopathy (congenital with brain and eye anomalies), type A2. Also called: MUSCULAR DYSTROPHY-DYSTROGLYCANOPATHY (CONGENITAL WITH BRAIN AND EYE ANOMALIES), TYPE A, 2; WALKER-WARBURG SYNDROME OR MUSCLE-EYE-BRAIN DISEASE, POMT2-RELATED. Identifiers: Orphanet 588, Orphanet 899, MedGen C3150411, MONDO:0013154, OMIM 613150.
Autosomal recessive limb-girdle muscular dystrophy type 2N. Also called: MUSCULAR DYSTROPHY-DYSTROGLYCANOPATHY, LIMB-GIRDLE, POMT2-RELATED; Muscular dystrophy-dystroglycanopathy (limb-girdle), type C, 2. Identifiers: Orphanet 206559, MedGen C3150418, MONDO:0013162, OMIM 613158.

Allele frequency attached by ClinVar (database versions not stated): ExAC 0.00001.
gnomAD v4.1: 1 of 1,606,942 alleles (0.000062%); highest among the groups gnomAD compares: Admixed American, 0.0017%; no homozygotes.

Submission:

Labcorp Genetics (formerly Invitae), Labcorp
Classification: Uncertain significance for Muscular dystrophy-dystroglycanopathy (congenital with impaired intellectual development), type B, 2; Muscular dystrophy-dystroglycanopathy (congenital with brain and eye anomalies), type A2; Autosomal recessive limb-girdle muscular dystrophy type 2N. Last evaluated: 2022-03-18. Review status: criteria provided, single submitter. Criteria: Invitae Variant Classification Sherloc (09022015). Collection method: clinical testing. Allele origin: germline.
Comment: This sequence change replaces proline, which is neutral and non-polar, with leucine, which is neutral and non-polar, at codon 524 of the POMT2 protein (p.Pro524Leu). This variant is present in population databases (rs749936639, gnomAD 0.003%). This variant has not been reported in the literature in individuals affected with POMT2-related conditions. Algorithms developed to predict the effect of missense changes on protein structure and function (SIFT, PolyPhen-2, Align-GVGD) all suggest that this variant is likely to be tolerated. In summary, the available evidence is currently insufficient to determine the role of this variant in disease. Therefore, it has been classified as a Variant of Uncertain Significance.

NM_013382.7(POMT2):c.1571C>T (p.Pro524Leu)

Gene: POMT2 (protein O-mannosyltransferase 2; minus strand). Cytogenetic location: 14q24.3.
Variant type: single nucleotide variant.
Coding change: c.1571C>T on transcript NM_013382.7 (MANE Select); coding-DNA position 1571, C replaced by T.
Protein change: p.Pro524Leu; replaces proline 524 with leucine.
Molecular consequence: missense variant.
Genome position (GRCh38, 1-based): chr14:77,284,955, G>A on the plus strand (C>T on the coding strand, the complement: POMT2 is on the minus strand). VCF-style: chr14-77284955-G-A. GRCh37 (hg19) VCF-style: chr14-77751298-G-A.
Other names: short protein forms P524L.
Identifiers: ClinVar variation 1983732 (VCV001983732.1), dbSNP rs749936639, ClinGen allele CA7285811.